The following is an entry in ClinVar:

NM_000512.5(GALNS):c.762T>G (p.Tyr254Ter)

Gene: GALNS (galactosamine (N-acetyl)-6-sulfatase; minus strand). Cytogenetic location: 16q24.3.
Variant type: single nucleotide variant.
Coding change: c.762T>G on transcript NM_000512.5 (MANE Select); coding-DNA position 762, T replaced by G.
Protein change: p.Tyr254Ter; replaces tyrosine 254 with a stop codon.
Molecular consequence: nonsense.
Genome position (GRCh38, 1-based): chr16:88,835,349, A>C on the plus strand (T>G on the coding strand, the complement: GALNS is on the minus strand). VCF-style: chr16-88835349-A-C. GRCh37 (hg19) VCF-style: chr16-88901757-A-C.
Other names: c.207T>G, p.Tyr69Ter (NM_001323543.2); c.780T>G, p.Tyr260Ter (NM_001323544.2); short protein forms Y254*, Y260*, Y69*.
Identifiers: ClinVar variation 2756450 (VCV002756450.3), dbSNP rs770815269, ClinGen allele CA397079158.
Genomic context (GRCh38, chr16:88,835,349, plus strand): 5'-GTCTTGGAGGAGCTCCAGTATCTTCCCAATGCTGTCATCAATCTCCCGGACGGCGTCTCC[A>C]TACCTGCAGGATGGTGACAAAAGGCATCTCCATACCTGGAGGATGGTGACAAATGGATCA-3'

ClinVar aggregate classification (germline): Pathogenic (1 of 4 stars; one submission).

Conditions:
Mucopolysaccharidosis, MPS-IV-A (MPS4A). Also called: Morquio syndrome A, mild; MORQUIO SYNDROME A; GALACTOSAMINE-6-SULFATASE DEFICIENCY; GALNS DEFICIENCY; MORQUIO A DISEASE; Mucopolysaccharidosis type IV A. Identifiers: Orphanet 309297, Orphanet 582, MedGen C0086651, MONDO:0009659, OMIM 253000.

gnomAD v4.1: 1 of 1,613,656 alleles (0.000062%); highest among the groups gnomAD compares: Non-Finnish European, 0.000085%; no homozygotes.

Submission:

Labcorp Genetics (formerly Invitae), Labcorp
Classification: Pathogenic for Mucopolysaccharidosis, MPS-IV-A. Last evaluated: 2023-08-30. Review status: criteria provided, single submitter. Criteria: Invitae Variant Classification Sherloc (09022015). Collection method: clinical testing. Allele origin: germline.
Comment: For these reasons, this variant has been classified as Pathogenic. This premature translational stop signal has been observed in individual(s) with mucopolysaccharidosis type IVA (PMID: 27825773). This variant is present in population databases (no rsID available, gnomAD 0.0009%). This sequence change creates a premature translational stop signal (p.Tyr254*) in the GALNS gene. It is expected to result in an absent or disrupted protein product. Loss-of-function variants in GALNS are known to be pathogenic (PMID: 12442278).

Literature cited by the submitters: PubMed 27825773; PubMed 12442278.